The following is an entry in ClinVar:

NM_005476.7(GNE):c.844G>A (p.Val282Ile)

Gene: GNE (glucosamine (UDP-N-acetyl)-2-epimerase/N-acetylmannosamine kinase; minus strand). Cytogenetic location: 9p13.3.
Variant type: single nucleotide variant.
Coding change: c.844G>A on transcript NM_005476.7 (MANE Select); coding-DNA position 844, G replaced by A.
Protein change: p.Val282Ile; replaces valine 282 with isoleucine.
Molecular consequence: missense variant.
Genome position (GRCh38, 1-based): chr9:36,234,058, C>T on the plus strand (G>A on the coding strand, the complement: GNE is on the minus strand). VCF-style: chr9-36234058-C-T. GRCh37 (hg19) VCF-style: chr9-36234055-C-T.
Other names: c.691G>A, p.Val231Ile (NM_001374797.1); c.667G>A, p.Val223Ile (NM_001374798.1, NM_001190388.2); c.937G>A, p.Val313Ile (NM_001128227.3); c.844G>A, p.Val282Ile (NM_001190383.3); c.514G>A, p.Val172Ile (NM_001190384.3); c.937G>A (NM_001128227.2); short protein forms V282I, V172I, V223I, V231I, V313I.
Identifiers: ClinVar variation 2155750 (VCV002155750.2), dbSNP rs747066733, ClinGen allele CA5056646.

ClinVar aggregate classification (germline): Uncertain significance. Review status: criteria provided, multiple submitters, no conflicts (2 of 4 stars). 2 submissions from 2 submitters: Uncertain significance (2). Last evaluated 2025-03-30.

Conditions:
Sialuria. Also called: Sialic Acid Storage Disease; SIALURIA, FRENCH TYPE. Identifiers: Orphanet 3166, MedGen C0342853, MONDO:0010028, OMIM 269921.
GNE myopathy (NM). Also called: NONAKA DISTAL MYOPATHY; INCLUSION BODY MYOPATHY, HEREDITARY, AUTOSOMAL RECESSIVE; INCLUSION BODY MYOPATHY 2, AUTOSOMAL RECESSIVE; MYOPATHY, DISTAL, WITH OR WITHOUT RIMMED VACUOLES; IBM 2; Inclusion body myopathy autosomal recessive. Identifiers: Orphanet 602, MedGen C1853926, MONDO:0011603, OMIM 605820.
Inborn genetic diseases. Identifiers: MedGen C0950123, MeSH D030342.

Allele frequency attached by ClinVar (database versions not stated): ExAC 0.00002.
gnomAD v4.1: 6 of 1,614,000 alleles (0.00037%); highest among the groups gnomAD compares: South Asian, 0.0011%; no homozygotes.

Submissions (2):

Ambry Genetics
Classification: Uncertain significance for Inborn genetic diseases. Last evaluated: 2025-03-30. Review status: criteria provided, single submitter. Criteria: Ambry Variant Classification Scheme 2023. Collection method: clinical testing. Allele origin: germline.

Labcorp Genetics (formerly Invitae), Labcorp
Classification: Uncertain significance for Sialuria; GNE myopathy. Last evaluated: 2022-06-15. Review status: criteria provided, single submitter. Criteria: Invitae Variant Classification Sherloc (09022015). Collection method: clinical testing. Allele origin: germline.
Comment: This sequence change replaces valine, which is neutral and non-polar, with isoleucine, which is neutral and non-polar, at codon 313 of the GNE protein (p.Val313Ile). This variant is present in population databases (rs747066733, gnomAD 0.003%). This variant has not been reported in the literature in individuals affected with GNE-related conditions. Algorithms developed to predict the effect of missense changes on protein structure and function (SIFT, PolyPhen-2, Align-GVGD) all suggest that this variant is likely to be tolerated. In summary, the available evidence is currently insufficient to determine the role of this variant in disease. Therefore, it has been classified as a Variant of Uncertain Significance.